The following is an entry in ClinVar:

NM_021871.4(FGA):c.1021A>C (p.Thr341Pro)

Gene: FGA (fibrinogen alpha chain; minus strand). Cytogenetic location: 4q31.3.
Variant type: single nucleotide variant.
Coding change: c.1021A>C on transcript NM_021871.4 (MANE Select); coding-DNA position 1021, A replaced by C.
Protein change: p.Thr341Pro; replaces threonine 341 with proline.
Molecular consequence: missense variant.
Genome position (GRCh38, 1-based): chr4:154,586,408, T>G on the plus strand (A>C on the coding strand, the complement: FGA is on the minus strand). VCF-style: chr4-154586408-T-G. GRCh37 (hg19) VCF-style: chr4-155507560-T-G.
Other names: c.1021A>C, p.Thr341Pro (NM_000508.5); short protein forms T341P.
Identifiers: ClinVar variation 3067217 (VCV003067217.21), dbSNP rs1376400427, ClinGen allele CA358530649.
Genomic context (GRCh38, chr4:154,586,408, plus strand): 5'-TCCAGGTTCCGGTACTACCAGGTCTAGGGCTCCCAGGGTTTTGGTTTCCAGTACTTCCAG[T>G]TCCAGAGCTCCCAGAGTTCCAGCTTCCAGTACTTCCAGGTCCAGAGCTCCCAGGTTTCCA-3'
Protein context (NP_068657.1, residues 331-351): TGSWNSGSSG[Thr341Pro]GSTGNQNPGS

ClinVar aggregate classification (germline): Uncertain significance (1 of 4 stars; one submission).

Allele frequency attached by ClinVar (database versions not stated): gnomAD exomes below 0.00001.
gnomAD v4.1: 2 of 1,612,692 alleles (0.00012%); highest among the groups gnomAD compares: South Asian, 0.0011%; no homozygotes.

Submission:

CeGaT Center for Human Genetics Tuebingen
Classification: Uncertain significance. Last evaluated: 2024-03-01. Review status: criteria provided, single submitter. Criteria: CeGaT Center For Human Genetics Tuebingen Variant Classification Criteria Version 2. Collection method: clinical testing. Allele origin: germline. Affected: yes. Observed: 1 variant allele.
Comment: FGA: PM2, BP4